The following is an entry in ClinVar:

ClinVar aggregate classification (germline): Uncertain significance (1 of 4 stars; one submission).

Submission:

GeneDx
Classification: Uncertain significance. Last evaluated: 2022-01-04. Review status: criteria provided, single submitter. Criteria: GeneDx Variant Classification Process June 2021. Collection method: clinical testing. Allele origin: germline. Affected: yes.
Comment: Not observed at significant frequency in large population cohorts (gnomAD); In silico analysis supports that this missense variant has a deleterious effect on protein structure/function; Has not been previously published as pathogenic or benign to our knowledge

NM_007055.4(POLR3A):c.51C>G (p.His17Gln)

Gene: POLR3A (RNA polymerase III subunit A; minus strand). Cytogenetic location: 10q22.3.
Variant type: single nucleotide variant.
Coding change: c.51C>G on transcript NM_007055.4 (MANE Select); coding-DNA position 51, C replaced by G.
Protein change: p.His17Gln; replaces histidine 17 with glutamine.
Molecular consequence: missense variant.
Genome position (GRCh38, 1-based): chr10:78,026,223, G>C on the plus strand (C>G on the coding strand, the complement: POLR3A is on the minus strand). VCF-style: chr10-78026223-G-C. GRCh37 (hg19) VCF-style: chr10-79785981-G-C.
Other names: short protein forms H17Q.
Identifiers: ClinVar variation 1693421 (VCV001693421.2), dbSNP rs2131962032, ClinGen allele CA377347727.
Genomic context (GRCh38, chr10:78,026,223, plus strand): 5'-CACAACTTGGATGTGCGCCTGCTGGCGCATCTCCTCAGGTGACTTCATTCCAAAACAGAT[G>C]TGGCTTCTGGAATGGGAAGAAAAAGGTGAAAATTACAGCAAAATCTGTGACCAAAAATGT-3'
Protein context (NP_008986.2, residues 7-27): RETDVAKKIS[His17Gln]ICFGMKSPEE